The following is an entry in ClinVar:

NM_000368.5(TSC1):c.37A>G (p.Met13Val)

Gene: TSC1 (TSC complex subunit 1; minus strand). Cytogenetic location: 9q34.13.
Variant type: single nucleotide variant.
Coding change: c.37A>G on transcript NM_000368.5 (MANE Select); coding-DNA position 37, A replaced by G.
Protein change: p.Met13Val; replaces methionine 13 with valine.
Molecular consequence: missense variant. On other transcripts: 5 prime UTR variant (1).
Genome position (GRCh38, 1-based): chr9:132,928,836, T>C on the plus strand (A>G on the coding strand, the complement: TSC1 is on the minus strand). VCF-style: chr9-132928836-T-C. GRCh37 (hg19) VCF-style: chr9-135804223-T-C.
Other names: c.37A>G, p.Met13Val (NM_001162426.2, NM_001162427.2); c.-223A>G (NM_001362177.2); c.37A>G (NM_000368.4); short protein forms M13V.
Identifiers: ClinVar variation 1515216 (VCV001515216.9), dbSNP rs768147590, ClinGen allele CA037422.

ClinVar aggregate classification (germline): Uncertain significance. Review status: criteria provided, multiple submitters, no conflicts (2 of 4 stars). 2 submissions from 2 submitters: Uncertain significance (2). Last evaluated 2026-02-15.

Conditions:
Tuberous sclerosis 1 (TSC1). Identifiers: Orphanet 805, MedGen C1854465, MONDO:0008612, OMIM 191100.
Hereditary cancer-predisposing syndrome. Also called: Neoplastic Syndromes, Hereditary; Tumor predisposition; Hereditary Cancer Syndrome; Hereditary neoplastic syndrome. Identifiers: Orphanet 140162, MedGen C0027672, MeSH D009386, MONDO:0015356.

Allele frequency attached by ClinVar (database versions not stated): gnomAD exomes below 0.00001; ExAC 0.00001.

Submissions (2):

Ambry Genetics
Classification: Uncertain significance for Hereditary cancer-predisposing syndrome. Last evaluated: 2026-02-15. Review status: criteria provided, single submitter. Criteria: Ambry Variant Classification Scheme 2023. Collection method: clinical testing. Allele origin: germline.
Comment: The p.M13V variant (also known as c.37A>G), located in coding exon 1 of the TSC1 gene, results from an A to G substitution at nucleotide position 37. The methionine at codon 13 is replaced by valine, an amino acid with highly similar properties. This amino acid position is conserved. In addition, the in silico prediction for this alteration is inconclusive. Based on the available evidence, the clinical significance of this variant remains unclear.

Labcorp Genetics (formerly Invitae), Labcorp
Classification: Uncertain significance for Tuberous sclerosis 1. Last evaluated: 2022-05-25. Review status: criteria provided, single submitter. Criteria: Invitae Variant Classification Sherloc (09022015). Collection method: clinical testing. Allele origin: germline.
Comment: This variant is present in population databases (rs768147590, gnomAD 0.0009%). In summary, the available evidence is currently insufficient to determine the role of this variant in disease. Therefore, it has been classified as a Variant of Uncertain Significance. Algorithms developed to predict the effect of missense changes on protein structure and function (SIFT, PolyPhen-2, Align-GVGD) all suggest that this variant is likely to be tolerated. This variant has not been reported in the literature in individuals affected with TSC1-related conditions. This sequence change replaces methionine, which is neutral and non-polar, with valine, which is neutral and non-polar, at codon 13 of the TSC1 protein (p.Met13Val).